The following is an entry in ClinVar:

ClinVar aggregate classification (germline): Uncertain significance (1 of 4 stars; one submission).

Submission:

Labcorp Genetics (formerly Invitae), Labcorp
Classification: Uncertain significance. Last evaluated: 2023-09-06. Review status: criteria provided, single submitter. Criteria: Invitae Variant Classification Sherloc (09022015). Collection method: clinical testing. Allele origin: germline.
Comment: In summary, the available evidence is currently insufficient to determine the role of this variant in disease. Therefore, it has been classified as a Variant of Uncertain Significance. Advanced modeling of protein sequence and biophysical properties (such as structural, functional, and spatial information, amino acid conservation, physicochemical variation, residue mobility, and thermodynamic stability) performed at Invitae indicates that this missense variant is expected to disrupt BGN protein function. This variant has not been reported in the literature in individuals affected with BGN-related conditions. This variant is not present in population databases (gnomAD no frequency). This sequence change replaces asparagine, which is neutral and polar, with lysine, which is basic and polar, at codon 193 of the BGN protein (p.Asn193Lys).

NM_001711.6(BGN):c.579C>A (p.Asn193Lys)

Gene: BGN (biglycan; plus strand). Cytogenetic location: Xq28.
Variant type: single nucleotide variant.
Coding change: c.579C>A on transcript NM_001711.6 (MANE Select); coding-DNA position 579, C replaced by A.
Protein change: p.Asn193Lys; replaces asparagine 193 with lysine.
Molecular consequence: missense variant.
Genome position (GRCh38, 1-based): chrX:153,506,542, C>A. VCF-style: chrX-153506542-C-A. GRCh37 (hg19) VCF-style: chrX-152772000-C-A.
Other names: short protein forms N193K.
Identifiers: ClinVar variation 2758427 (VCV002758427.3), dbSNP rs2521217324, ClinGen allele CA415070469.